The following is an entry in ClinVar:

ClinVar aggregate classification (germline): Conflicting classifications of pathogenicity. Review status: criteria provided, conflicting classifications (1 of 4 stars). 12 submissions from 12 submitters: Uncertain significance (4); Benign (1); Likely benign (6). 1 of the submissions does not count toward it. Last evaluated 2026-01-19.

Conditions:
Brain small vessel disease 1 with or without ocular anomalies (BSVD1). Also called: BRAIN SMALL VESSEL DISEASE WITH HEMORRHAGE; Brain small vessel disease with or without ocular anomalies; GOULD SYNDROME 1; PORENCEPHALY, TYPE 1, AUTOSOMAL DOMINANT. Identifiers: Orphanet 2940, Orphanet 36383, Orphanet 99810, MedGen C4755307, MONDO:0008289, OMIM 175780.
COL4A1-related disorder. Also called: COL4A1-related disorders; COL4A1-related condition. Identifiers: MedGen CN376119, MONDO:0800461.
Autosomal dominant familial hematuria-retinal arteriolar tortuosity-contractures syndrome. Also called: Hereditary Angiopathy with Nephropathy, Aneurysms, and Muscle Cramps (HANAC) Syndrome; Angiopathy, hereditary, with nephropathy, aneurysms, and muscle cramps. Identifiers: Orphanet 73229, MedGen C2673195, MONDO:0012726, OMIM 611773.
Retinal arterial tortuosity. Also called: Retinal arteries, tortuosity of; RETINAL HEMORRHAGE WITH VASCULAR TORTUOSITY. Identifiers: Orphanet 75326, MedGen C0423401, MONDO:0008373, OMIM 180000, HP:0000631.
Hemorrhage, intracerebral, susceptibility to (ICH). Also called: Stroke, hemorrhagic, susceptibility to. Identifiers: MedGen C3281105, MONDO:0100533, OMIM 614519.
Schizencephaly. Identifiers: Orphanet 799, MedGen C0266484, MONDO:0010011, OMIM 269160, HP:0010636.
Inborn genetic diseases. Identifiers: MedGen C0950123, MeSH D030342.

Allele frequency attached by ClinVar (database versions not stated): ExAC 0.00020; 1000 Genomes Project 30x 0.00031; gnomAD 0.00044 and 0.00048; TOPMed 0.00054; gnomAD exomes 0.00059.
gnomAD v4.1: 971 of 1,464,626 alleles (0.066%); highest among the groups gnomAD compares: Non-Finnish European, 0.072%; 1 homozygote.

Submissions (12):

Labcorp Genetics (formerly Invitae), Labcorp
Classification: Benign. Last evaluated: 2026-01-19. Review status: criteria provided, single submitter. Criteria: Invitae Variant Classification Sherloc (09022015). Collection method: clinical testing. Allele origin: germline.

CeGaT Center for Human Genetics Tuebingen
Classification: Likely benign. Last evaluated: 2025-12-01. Review status: criteria provided, single submitter. Criteria: CeGaT Center For Human Genetics Tuebingen Variant Classification Criteria Version 2. Collection method: clinical testing. Allele origin: germline. Affected: yes. Observed: 9 variant alleles.
Comment: COL4A1: BS1

GeneDx
Classification: Uncertain significance. Last evaluated: 2025-10-01. Review status: criteria provided, single submitter. Criteria: GeneDx Variant Classification Process June 2021. Collection method: clinical testing. Allele origin: germline. Affected: yes.
Comment: Reported in an individual with pediatric arterial ischemic stroke in published literature (PMID: 32818659); In silico analysis suggests that this missense variant does not alter protein structure/function; This variant is associated with the following publications: (PMID: 32818659)

Mayo Clinic Laboratories, Mayo Clinic
Classification: Likely benign. Last evaluated: 2025-02-05. Review status: criteria provided, single submitter. Criteria: ACMG Guidelines, 2015. Collection method: clinical testing. Allele origin: germline. Observed: 7 variant alleles.
Comment: BS1, BP4

Blueprint Genetics
Classification: Likely benign. Last evaluated: 2024-11-18. Review status: criteria provided, single submitter. Criteria: ACMG Guidelines, 2015. Collection method: clinical testing. Allele origin: germline.

Ambry Genetics
Classification: Likely benign for Inborn genetic diseases. Last evaluated: 2024-07-08. Review status: criteria provided, single submitter. Criteria: Ambry Variant Classification Scheme 2023. Collection method: clinical testing. Allele origin: germline.

Dubai Health Genomic Medicine Center, Dubai Health
Classification: Likely benign for Autosomal dominant familial hematuria-retinal arteriolar tortuosity-contractures syndrome. Last evaluated: 2020-03-26. Review status: criteria provided, single submitter. Criteria: ACMG Guidelines, 2015. Collection method: clinical testing. Allele origin: germline. Affected: yes.

Centre for Mendelian Genomics, University Medical Centre Ljubljana
Classification: Likely benign for Brain small vessel disease 1 with or without ocular anomalies. Last evaluated: 2019-03-26. Review status: criteria provided, single submitter. Criteria: ACMG Guidelines, 2015. Collection method: clinical testing. Allele origin: unknown. Affected: yes.
Comment: This variant was classified as: Likely benign. The following ACMG criteria were applied in classifying this variant: BS1,BP4.

Fulgent Genetics
Classification: Uncertain significance for Brain small vessel disease 1 with or without ocular anomalies; Retinal arterial tortuosity; Schizencephaly; Autosomal dominant familial hematuria-retinal arteriolar tortuosity-contractures syndrome; Hemorrhage, intracerebral, susceptibility to. Last evaluated: 2018-10-31. Review status: criteria provided, single submitter. Criteria: ACMG Guidelines, 2015. Collection method: clinical testing. Allele origin: unknown.

Institute of Human Genetics, University of Leipzig Medical Center
Classification: Uncertain significance for Brain small vessel disease 1 with or without ocular anomalies. Last evaluated: 2017-04-03. Review status: criteria provided, single submitter. Criteria: ACMG Guidelines, 2015. Collection method: clinical testing. Allele origin: germline. Affected: yes. Observed: 1 variant allele.

Eurofins Ntd Llc (ga)
Classification: Uncertain significance. Last evaluated: 2016-07-29. Review status: criteria provided, single submitter. Criteria: EGL Classification Definitions 2015. Collection method: clinical testing. Allele origin: germline. Observed: 1 variant allele, 1 heterozygote.

PreventionGenetics, part of Exact Sciences
Classification: Uncertain significance for COL4A1-related condition. Last evaluated: 2024-08-18. Review status: no assertion criteria provided. Collection method: clinical testing. Allele origin: germline. Not counted in ClinVar's aggregate classification.
Comment: The COL4A1 c.7C>A variant is predicted to result in the amino acid substitution p.Pro3Thr. This variant was reported as paternally-inherited in an individual with arterial ischemic stroke (Grossi et al. 2020. PubMed ID: 32818659). This variant is reported in 0.11% of alleles in individuals of European (Finnish) descent in gnomAD. Although we suspect that this variant may be benign, at this time, the clinical significance of this variant is uncertain due to the absence of conclusive functional and genetic evidence.

Literature cited by the submitters: PubMed 32818659 (cited by Mayo Clinic Laboratories, Mayo Clinic).

NM_001845.6(COL4A1):c.7C>A (p.Pro3Thr)

Gene: COL4A1 (collagen type IV alpha 1 chain; minus strand). Cytogenetic location: 13q34.
Variant type: single nucleotide variant.
Coding change: c.7C>A on transcript NM_001845.6 (MANE Select); coding-DNA position 7, C replaced by A.
Protein change: p.Pro3Thr; replaces proline 3 with threonine.
Molecular consequence: missense variant.
Genome position (GRCh38, 1-based): chr13:110,307,021, G>T on the plus strand (C>A on the coding strand, the complement: COL4A1 is on the minus strand). VCF-style: chr13-110307021-G-T. GRCh37 (hg19) VCF-style: chr13-110959368-G-T.
Other names: p.Pro3Thr; c.7C>A, p.Pro3Thr (NM_001303110.2); short protein forms P3T.
Identifiers: ClinVar variation 289628 (VCV000289628.55), dbSNP rs751749989, ClinGen allele CA7048689.
Genomic context (GRCh38, chr13:110,307,021, plus strand): 5'-TGTGCTCCTCGTGGAGCAGAAGGGCGGCGGGCAGCAGCAGCAGCCAGACGCTGAGCCGGG[G>T]CCCCATGGTGGCGCGCCCGAGGCGGCGAGGGACGGCTGCCCGGCGTGCGGGGGCCGCGGC-3'
Protein context (NP_001836.3, residues 1-13): MG[Pro3Thr]RLSVWLLLLP